The following is an entry in ClinVar:

NM_000186.4(CFH):c.3350A>G (p.Asn1117Ser)

Gene: CFH (complement factor H; plus strand). Cytogenetic location: 1q31.3.
Variant type: single nucleotide variant.
Coding change: c.3350A>G on transcript NM_000186.4 (MANE Select); coding-DNA position 3350, A replaced by G.
Protein change: p.Asn1117Ser; replaces asparagine 1117 with serine.
Molecular consequence: missense variant.
Genome position (GRCh38, 1-based): chr1:196,745,856, A>G. VCF-style: chr1-196745856-A-G. GRCh37 (hg19) VCF-style: chr1-196714986-A-G.
Other names: short protein forms N1117S.
Identifiers: ClinVar variation 4291557 (VCV004291557.2).

ClinVar aggregate classification (germline): Uncertain significance (1 of 4 stars; one submission).

Conditions:
Factor H deficiency (CFHD). Also called: COMPLEMENT FACTOR H DEFICIENCY; CFH DEFICIENCY. Identifiers: Orphanet 200421, MedGen C0398777, MONDO:0012350, OMIM 609814.

gnomAD v4.1: 13 of 1,614,042 alleles (0.00081%); highest among the groups gnomAD compares: Non-Finnish European, 0.0011%; no homozygotes.

Submission:

Genomenon, Inc
Classification: Uncertain significance for Factor H deficiency. Last evaluated: 2026-09-17. Review status: criteria provided, single submitter. Criteria: Genomenon Sequence Variant Interpretation Standards - Updated. Collection method: curation. Allele origin: germline. Affected: yes.
Comment: CFH p.Asn1117Ser (c.3350A>G) is a missense variant that changes the amino acid at codon 1117 from asparagine to serine. This variant has been observed in at least one proband affected with complement factor H deficiency (PMID: 22542290). It is absent or not present at a significant frequency in gnomAD. In conclusion, we classify CFH p.Asn1117Ser (c.3350A>G) as a variant of uncertain significance.

Literature cited by the submitters: PubMed 22542290.